The following is an entry in ClinVar:

ClinVar aggregate classification (germline): Uncertain significance (1 of 4 stars; one submission).

gnomAD v4.1: 1 of 1,614,108 alleles (0.000062%); highest among the groups gnomAD compares: African/African-American, 0.0013%; no homozygotes.

Submission:

GeneDx
Classification: Uncertain significance. Last evaluated: 2024-11-18. Review status: criteria provided, single submitter. Criteria: GeneDx Variant Classification Process June 2021. Collection method: clinical testing. Allele origin: germline. Affected: yes.
Comment: Not observed at significant frequency in large population cohorts (gnomAD); In silico analysis supports that this missense variant has a deleterious effect on protein structure/function; Has not been previously published as pathogenic or benign to our knowledge

NM_170606.3(KMT2C):c.6479C>G (p.Ser2160Cys)

Gene: KMT2C (lysine methyltransferase 2C; minus strand). Cytogenetic location: 7q36.1.
Variant type: single nucleotide variant.
Coding change: c.6479C>G on transcript NM_170606.3 (MANE Select); coding-DNA position 6479, C replaced by G.
Protein change: p.Ser2160Cys; replaces serine 2160 with cysteine.
Molecular consequence: missense variant.
Genome position (GRCh38, 1-based): chr7:152,181,381, G>C on the plus strand (C>G on the coding strand, the complement: KMT2C is on the minus strand). VCF-style: chr7-152181381-G-C. GRCh37 (hg19) VCF-style: chr7-151878466-G-C.
Other names: short protein forms S2160C.
Identifiers: ClinVar variation 3899717 (VCV003899717.1).
Genomic context (GRCh38, chr7:152,181,381, plus strand): 5'-GTTTGGGGCTGCTGACTATATGGGTCAACAGTAGTAGGCCGGGGAGTTCCAGGAGGTTGA[G>C]AGTAAGGGTCTGTATTGGACCTAGCTGTTCCTGAAGATTGGGAATAAGAATCTACAACAG-3'
Protein context (NP_733751.2, residues 2150-2170): GTARSNTDPY[Ser2160Cys]QPPGTPRPTT